The following is an entry in ClinVar:

NM_005670.4(EPM2A):c.488A>G (p.Asn163Ser)

Gene: EPM2A (EPM2A glucan phosphatase, laforin; minus strand). Cytogenetic location: 6q24.3.
Variant type: single nucleotide variant.
Coding change: c.488A>G on transcript NM_005670.4 (MANE Select); coding-DNA position 488, A replaced by G.
Protein change: p.Asn163Ser; replaces asparagine 163 with serine.
Molecular consequence: missense variant. On other transcripts: intron variant (1).
Genome position (GRCh38, 1-based): chr6:145,635,475, T>C on the plus strand (A>G on the coding strand, the complement: EPM2A is on the minus strand). VCF-style: chr6-145635475-T-C. GRCh37 (hg19) VCF-style: chr6-145956611-T-C.
Other names: p.N163S:AAT>AGT; c.488A>G, p.Asn163Ser (NM_001018041.2, NM_001368130.1); c.74A>G, p.Asn25Ser (NM_001360064.2, NM_001360071.2, NM_001368131.1); c.26A>G, p.Asn9Ser (NM_001368129.2, NM_001368132.1); c.477-7782A>G (NM_001360057.2); short protein forms N163S, N25S, N9S.
Identifiers: ClinVar variation 205426 (VCV000205426.15), dbSNP rs141919651, ClinGen allele CA314484.
Genomic context (GRCh38, chr6:145,635,475, plus strand): 5'-TCATGCTTCAGTTTGATGGTTACATGTTCCACCTGACGAGGGCAGCTACCCAGCCAGATA[T>C]TTGGTAGAATTCTAATGAGAACATATGGAGACAACTATCACTAGTGTTGTTCTGATTTGA-3'
Protein context (NP_005661.1, residues 153-173): QAMHYSRILP[Asn163Ser]IWLGSCPRQV

ClinVar aggregate classification (germline): Uncertain significance. Review status: criteria provided, multiple submitters, no conflicts (2 of 4 stars). 6 submissions from 6 submitters: Uncertain significance (5). 1 of the submissions does not count toward it. Last evaluated 2025-06-25.

Conditions:
Inborn genetic diseases. Identifiers: MedGen C0950123, MeSH D030342.
Progressive myoclonic epilepsy. Also called: Myoclonus epilepsy; Myoclonic Epilepsies, Progressive; Progressive myoclonus epilepsy; Familial progressive myoclonic epilepsy. Identifiers: Orphanet 308, Orphanet 98261, MedGen C0751778, MONDO:0020074.
Lafora disease. Also called: Progressive Myoclonus Epilepsy, Lafora Type; Epilepsy progressive myoclonic 2. Identifiers: Orphanet 501, MedGen C0751783, MONDO:0009697.

Allele frequency attached by ClinVar (database versions not stated): TOPMed 0.00011; gnomAD 0.00014 and 0.00015; ExAC 0.00015; gnomAD exomes 0.00017; ESP Exome Variant Server 0.00038.

Submissions (7):

GeneDx
Classification: Uncertain significance. Last evaluated: 2025-06-25. Review status: criteria provided, single submitter. Criteria: GeneDx Variant Classification Process June 2021. Collection method: clinical testing. Allele origin: germline. Affected: yes.
Comment: In silico analysis supports that this missense variant has a deleterious effect on protein structure/function; Has not been previously published as pathogenic or benign to our knowledge

Blueprint Genetics
Classification: Uncertain significance. Last evaluated: 2024-11-19. Review status: criteria provided, single submitter. Criteria: ACMG Guidelines, 2015. Collection method: clinical testing. Allele origin: germline.

Ambry Genetics
Classification: Uncertain significance for Inborn genetic diseases. Last evaluated: 2024-05-15. Review status: criteria provided, single submitter. Criteria: Ambry Variant Classification Scheme 2023. Collection method: clinical testing. Allele origin: germline.

Labcorp Genetics (formerly Invitae), Labcorp
Classification: Uncertain significance for Progressive myoclonic epilepsy. Last evaluated: 2023-08-17. Review status: criteria provided, single submitter. Criteria: Invitae Variant Classification Sherloc (09022015). Collection method: clinical testing. Allele origin: germline.
Comment: This sequence change replaces asparagine, which is neutral and polar, with serine, which is neutral and polar, at codon 163 of the EPM2A protein (p.Asn163Ser). This variant is present in population databases (rs141919651, gnomAD 0.03%). This variant has not been reported in the literature in individuals affected with EPM2A-related conditions. ClinVar contains an entry for this variant (Variation ID: 205426). Advanced modeling of protein sequence and biophysical properties (such as structural, functional, and spatial information, amino acid conservation, physicochemical variation, residue mobility, and thermodynamic stability) has been performed at Invitae for this missense variant, however the output from this modeling did not meet the statistical confidence thresholds required to predict the impact of this variant on EPM2A protein function. In summary, the available evidence is currently insufficient to determine the role of this variant in disease. Therefore, it has been classified as a Variant of Uncertain Significance.

Fulgent Genetics
Classification: Uncertain significance for Myoclonic epilepsy of Lafora 1. Last evaluated: 2018-10-31. Review status: criteria provided, single submitter. Criteria: ACMG Guidelines, 2015. Collection method: clinical testing. Allele origin: unknown.

Department of Pathology and Laboratory Medicine, Sinai Health System
Classification: Uncertain significance. Review status: no assertion criteria provided. Collection method: clinical testing. Allele origin: unknown. Affected: yes. Study: The Canadian Open Genetics Repository (COGR). Not counted in ClinVar's aggregate classification.
Comment: The EPM2A p.Asn163Ser variant was not identified in the literature nor was it identified in Cosmic or LOVD 3.0. The variant was identified in dbSNP (ID: rs141919651) and in ClinVar (classified as a VUS by GeneDx in 2017, Invitae in 2018, and Fulgent in 2018). The variant was identified in control databases in 46 of 282834 chromosomes at a frequency of 0.000163 (Genome Aggregation Database Feb 27, 2017). The variant was observed in the following populations: European (non-Finnish) in 43 of 129146 chromosomes (freq: 0.000333), European (Finnish) in 2 of 25122 chromosomes (freq: 0.00008) and South Asian in 1 of 30616 chromosomes (freq: 0.000033); it was not observed in the African, Latino, Ashkenazi Jewish, East Asian, and Other populations. Another missense change at this residue (N163D) has been reported as likely pathogenic by GeneDx in association with epilepsy. The variant is located with the Dual specificity phosphatase, subgroup, catalytic domain functional domain(s) of the laforin protein, increasing the likelihood that it may have clinical significance. The p.Asn163 residue is conserved in mammals and computational analyses (PolyPhen-2, SIFT, AlignGVGD, BLOSUM, MutationTaster) provide inconsistent predictions regarding the impact to the protein; this information is not very predictive of pathogenicity. The variant occurs outside of the splicing consensus sequence and 3 of 4 in silico or computational prediction software programs (MaxEntScan) do not predict a greater than 10% difference in splicing. In summary, based on the above information the clinical significance of this variant cannot be determined with certainty at this time. This variant is classified as a variant of uncertain significance.

Dr. Peter K. Rogan Lab, Western University
No classification provided (evidence only). Condition: Melanoma. Review status: no classification provided. Collection method: in vitro. Allele origin: not applicable. Functional consequence: skipped exon. Not counted in ClinVar's aggregate classification.